The following is an entry in ClinVar:

ClinVar aggregate classification (germline): Likely pathogenic. Review status: reviewed by expert panel (3 of 4 stars). 3 submissions from 3 submitters: Likely pathogenic (1). 2 of the submissions do not count toward it. Last evaluated 2024-01-23.

Conditions:
Severe combined immunodeficiency due to DCLRE1C deficiency (RS-SCID). Also called: SCID, AUTOSOMAL RECESSIVE, T CELL-NEGATIVE, B CELL-NEGATIVE, NK CELL-POSITIVE, WITH SENSITIVITY TO IONIZING RADIATION. Identifiers: Orphanet 275, MedGen C1865371, MONDO:0011225, OMIM 602450.

Submissions (3):

ClinGen Severe Combined Immunodeficiency Variant Curation Expert Panel, ClinGen
Classification: Likely pathogenic for Severe combined immunodeficiency due to DCLRE1C deficiency. Last evaluated: 2024-01-23. Review status: reviewed by expert panel. Criteria: ClinGen SCID ACMG Specifications DCLRE1C V1.0.0. Collection method: curation. Allele origin: germline. Inheritance: Autosomal recessive inheritance.
Comment: The NM_001033855.3:c.206T>A (p.Leu69Ter) variant in DCLRE1C is a nonsense variant predicted to cause a premature stop codon in biologically relevant exon, 3/14, which is predicted to lead to nonsense-mediated decay in a gene in which loss-of-function is an established disease mechanism (PVS1). This variant is absent from gnomAD v4 (PM2_Supporting). To our knowledge, this variant has not been reported in the literature in individuals affected with DCLRE1C-related conditions or in functional studies. In summary, this variant meets the criteria to be classified as Likely Pathogenic for autosomal recessive severe combined immunodeficiency due to DCLRE1C deficiency based on the ACMG/AMP criteria applied, as specified by the ClinGen SCID VCEP: PM2_Supporting and PVS1 (VCEP specifications version 1).

Labcorp Genetics (formerly Invitae), Labcorp
Classification: Pathogenic for Athabaskan severe combined immunodeficiency. Last evaluated: 2025-07-10. Review status: criteria provided, single submitter. Criteria: Invitae Variant Classification Sherloc (09022015). Collection method: clinical testing. Allele origin: germline. Not counted in ClinVar's aggregate classification.
Comment: This sequence change creates a premature translational stop signal (p.Leu69*) in the DCLRE1C gene. It is expected to result in an absent or disrupted protein product. Loss-of-function variants in DCLRE1C are known to be pathogenic (PMID: 21664875, 26123418). This variant is not present in population databases (gnomAD no frequency). This premature translational stop signal has been observed in individual(s) with severe combined immunodeficiency (PMID: 35503492). ClinVar contains an entry for this variant (Variation ID: 802564). For these reasons, this variant has been classified as Pathogenic.

Mendelics
Classification: Pathogenic for Severe combined immunodeficiency due to DCLRE1C deficiency. Last evaluated: 2019-05-28. Review status: criteria provided, single submitter. Criteria: Mendelics Assertion Criteria 2017. Collection method: clinical testing. Allele origin: unknown. Not counted in ClinVar's aggregate classification.

Literature cited by the submitters: PubMed 21664875 (cited by Labcorp Genetics (formerly Invitae), Labcorp); PubMed 26123418 (cited by Labcorp Genetics (formerly Invitae), Labcorp); PubMed 35503492 (cited by Labcorp Genetics (formerly Invitae), Labcorp).

NM_001033855.3(DCLRE1C):c.206T>A (p.Leu69Ter)

Gene: DCLRE1C (DNA cross-link repair 1C; minus strand). Cytogenetic location: 10p13.
Variant type: single nucleotide variant.
Coding change: c.206T>A on transcript NM_001033855.3 (MANE Select); coding-DNA position 206, T replaced by A.
Protein change: p.Leu69Ter; replaces leucine 69 with a stop codon.
Molecular consequence: nonsense. On other transcripts: 5 prime UTR variant (8), non-coding transcript variant (4), intron variant (1).
Genome position (GRCh38, 1-based): chr10:14,945,145, A>T on the plus strand (T>A on the coding strand, the complement: DCLRE1C is on the minus strand). VCF-style: chr10-14945145-A-T. GRCh37 (hg19) VCF-style: chr10-14987144-A-T.
Other names: NM_001033855.3(DCLRE1C):c.206T>A; p.Leu69Ter; c.-155T>A (NM_001033857.3, NM_001289077.2, NM_001350967.2); c.-477T>A (NM_001033858.3, NM_001289079.2); c.-84T>A (NM_001289078.2, NM_001350966.2, NM_022487.4); c.206T>A, p.Leu69Ter (NM_001350965.2); c.-44+3891T>A (NM_001289076.2); short protein forms L69*.
Identifiers: ClinVar variation 802564 (VCV000802564.4), dbSNP rs1589136659, ClinGen allele CA376063361.